The following is an entry in ClinVar:

ClinVar aggregate classification (germline): Likely benign (1 of 4 stars; one submission).

gnomAD v4.1: 1,446 of 1,612,304 alleles (0.09%); highest among the groups gnomAD compares: Admixed American, 0.14%; 1 homozygote.

Submission:

CeGaT Center for Human Genetics Tuebingen
Classification: Likely benign. Last evaluated: 2025-12-01. Review status: criteria provided, single submitter. Criteria: CeGaT Center For Human Genetics Tuebingen Variant Classification Criteria Version 2. Collection method: clinical testing. Allele origin: germline. Affected: yes. Observed: 1 variant allele.
Comment: MEI1: BP4, BP7

NM_152513.4(MEI1):c.3178T>C (p.Leu1060=)

Gene: MEI1 (meiotic double-stranded break formation protein 1; plus strand). Cytogenetic location: 22q13.2.
Variant type: single nucleotide variant.
Coding change: c.3178T>C on transcript NM_152513.4 (MANE Select); coding-DNA position 3178, T replaced by C.
Protein change: p.Leu1060=; no amino-acid change (leucine 1060 retained).
Molecular consequence: synonymous variant.
Genome position (GRCh38, 1-based): chr22:41,784,616, T>C. VCF-style: chr22-41784616-T-C. GRCh37 (hg19) VCF-style: chr22-42180620-T-C.
Identifiers: ClinVar variation 4681422 (VCV004681422.5).